The following is an entry in ClinVar:

ClinVar aggregate classification (germline): Uncertain significance (1 of 4 stars; one submission).

Conditions:
Cardiomyopathy (CMYO). Also called: Cardiomyopathies. Identifiers: Orphanet 167848, MedGen C0878544, MONDO:0004994, HP:0001638. Inheritance: Various modes of inheritance.

gnomAD v4.1: 2 of 1,613,916 alleles (0.00012%); no homozygotes.

Submission:

Color Diagnostics, LLC DBA Color Health
Classification: Uncertain significance for Cardiomyopathy. Last evaluated: 2025-09-03. Review status: criteria provided, single submitter. Criteria: ACMG Guidelines, 2015. Collection method: clinical testing. Allele origin: germline.
Comment: This missense variant replaces aspartic acid with glutamic acid at codon 1704 of the RYR2 protein. Computational prediction is inconclusive regarding the impact of this variant on protein structure and function. To our knowledge, functional studies have not been reported for this variant. This variant has not been reported in individuals affected with RYR2-related disorders in the literature. This variant has not been identified in the general population by the Genome Aggregation Database (gnomAD). The available evidence is insufficient to determine the role of this variant in disease conclusively. Therefore, this variant is classified as a Variant of Uncertain Significance.

NM_001035.3(RYR2):c.5112C>A (p.Asp1704Glu)

Gene: RYR2 (ryanodine receptor 2; plus strand). Cytogenetic location: 1q43.
Variant type: single nucleotide variant.
Coding change: c.5112C>A on transcript NM_001035.3 (MANE Select); coding-DNA position 5112, C replaced by A.
Protein change: p.Asp1704Glu; replaces aspartic acid 1704 with glutamic acid.
Molecular consequence: missense variant.
Genome position (GRCh38, 1-based): chr1:237,614,240, C>A. VCF-style: chr1-237614240-C-A. GRCh37 (hg19) VCF-style: chr1-237777540-C-A.
Other names: short protein forms D1704E.
Identifiers: ClinVar variation 4758620 (VCV004758620.1).